The following is an entry in ClinVar:

NM_001048174.2(MUTYH):c.760G>A (p.Ala254Thr)

Gene: MUTYH (mutY DNA glycosylase; minus strand). Cytogenetic location: 1p34.1.
Variant type: single nucleotide variant.
Coding change: c.760G>A on transcript NM_001048174.2 (MANE Select); coding-DNA position 760, G replaced by A.
Protein change: p.Ala254Thr; replaces alanine 254 with threonine.
Molecular consequence: missense variant. On other transcripts: non-coding transcript variant (2).
Genome position (GRCh38, 1-based): chr1:45,332,255, C>T on the plus strand (G>A on the coding strand, the complement: MUTYH is on the minus strand). VCF-style: chr1-45332255-C-T. GRCh37 (hg19) VCF-style: chr1-45797927-C-T.
Other names: c.760G>A, p.Ala254Thr (NM_001048171.2, NM_001048173.2, NM_001293195.2); c.763G>A, p.Ala255Thr (NM_001048172.2); c.844G>A, p.Ala282Thr (NM_001128425.2); c.805G>A, p.Ala269Thr (NM_001293190.2); c.793G>A, p.Ala265Thr (NM_001293191.2); c.484G>A, p.Ala162Thr (NM_001293192.2, NM_001293196.2); c.415G>A, p.Ala139Thr (NM_001350650.2, NM_001350651.2); c.835G>A, p.Ala279Thr (NM_012222.3); short protein forms A162T, A254T, A265T, A279T, A269T, A282T, A139T, A255T.
Identifiers: ClinVar variation 822450 (VCV000822450.11), dbSNP rs1570402446, ClinGen allele CA340134609.

ClinVar aggregate classification (germline): Conflicting classifications of pathogenicity. Review status: criteria provided, conflicting classifications (1 of 4 stars). 2 submissions from 2 submitters: Uncertain significance (1); Likely benign (1). Last evaluated 2025-09-16.

Conditions:
Hereditary cancer-predisposing syndrome. Also called: Tumor predisposition; Hereditary Cancer Syndrome; Hereditary neoplastic syndrome; Neoplastic Syndromes, Hereditary. Identifiers: Orphanet 140162, MedGen C0027672, MeSH D009386, MONDO:0015356.
Familial adenomatous polyposis 2. Also called: FAP type 2; MUTYH Polyposis; COLORECTAL ADENOMATOUS POLYPOSIS, AUTOSOMAL RECESSIVE; ADENOMAS, MULTIPLE COLORECTAL, AUTOSOMAL RECESSIVE; MUTYH-associated polyposis; MUTYH-related attenuated familial adenomatous polyposis. Identifiers: Orphanet 220460, Orphanet 247798, MedGen C3272841, MONDO:0012041, OMIM 608456.

Submissions (2):

Ambry Genetics
Classification: Likely benign for Hereditary cancer-predisposing syndrome. Last evaluated: 2025-09-16. Review status: criteria provided, single submitter. Criteria: Ambry Variant Classification Scheme 2023. Collection method: clinical testing. Allele origin: germline.

Labcorp Genetics (formerly Invitae), Labcorp
Classification: Uncertain significance for Familial adenomatous polyposis 2. Last evaluated: 2023-07-07. Review status: criteria provided, single submitter. Criteria: Invitae Variant Classification Sherloc (09022015). Collection method: clinical testing. Allele origin: germline.
Comment: This sequence change replaces alanine, which is neutral and non-polar, with threonine, which is neutral and polar, at codon 282 of the MUTYH protein (p.Ala282Thr). This variant is not present in population databases (gnomAD no frequency). This variant has not been reported in the literature in individuals affected with MUTYH-related conditions. ClinVar contains an entry for this variant (Variation ID: 822450). An algorithm developed to predict the effect of missense changes on protein structure and function (PolyPhen-2) suggests that this variant is likely to be disruptive. In summary, the available evidence is currently insufficient to determine the role of this variant in disease. Therefore, it has been classified as a Variant of Uncertain Significance.